The following is an entry in ClinVar:

NM_032242.4(PLXNA1):c.4425C>T (p.Gly1475=)

Gene: PLXNA1 (plexin A1; plus strand). Cytogenetic location: 3q21.3.
Variant type: single nucleotide variant.
Coding change: c.4425C>T on transcript NM_032242.4 (MANE Select); coding-DNA position 4425, C replaced by T.
Protein change: p.Gly1475=; no amino-acid change (glycine 1475 retained).
Molecular consequence: synonymous variant.
Genome position (GRCh38, 1-based): chr3:127,028,002, C>T. VCF-style: chr3-127028002-C-T. GRCh37 (hg19) VCF-style: chr3-126746845-C-T.
Identifiers: ClinVar variation 4978123 (VCV004978123.1).
Genomic context (GRCh38, chr3:127,028,002, plus strand): 5'-GTGCGCTGGGGAGCCGCTGTTCATGCTGTACTGCGCCATCAAGCAGCAGATGGAGAAGGG[C>T]CCCATTGACGCCATCACGGGTGAGGCACGCTACTCCCTGAGTGAGGACAAGCTCATCCGG-3'
Protein context (NP_115618.3, residues 1465-1485): YCAIKQQMEK[Gly1475=]PIDAITGEAR

ClinVar aggregate classification (germline): Likely benign (1 of 4 stars; one submission).

Conditions:
PLXNA1-related disorder. Also called: PLXNA1-related condition.

gnomAD v4.1: 2 of 1,613,988 alleles (0.00012%); highest among the groups gnomAD compares: African/African-American, 0.0027%; no homozygotes.

Submission:

PreventionGenetics, part of Exact Sciences
Classification: Likely benign for PLXNA1-related condition. Last evaluated: 2025-07-30. Review status: criteria provided, single submitter. Criteria: ACMG Guidelines, 2015. Collection method: clinical testing. Allele origin: germline.
Comment: This variant is classified as likely benign based on ACMG/AMP sequence variant interpretation guidelines (Richards et al. 2015 PMID: 25741868, with internal and published modifications).